The following is an entry in ClinVar:

ClinVar aggregate classification (germline): Pathogenic/Likely pathogenic. Review status: criteria provided, multiple submitters, no conflicts (2 of 4 stars). 4 submissions from 4 submitters: Pathogenic (3); Likely pathogenic (1). Last evaluated 2025-11-21.

Conditions:
ANO5-related disorder. Also called: ANO5-related disorders; ANO5-related condition. Identifiers: MedGen CN239193.
Gnathodiaphyseal dysplasia (GDD). Also called: GNATHODIAPHYSEAL SCLEROSIS; OSTEOGENESIS IMPERFECTA WITH UNUSUAL SKELETAL LESIONS. Identifiers: Orphanet 53697, MedGen C1833736, MONDO:0008151, OMIM 166260.
Autosomal recessive limb-girdle muscular dystrophy type 2L (LGMDR12). Also called: Limb-Girdle Muscular Dystrophy R12 Anoctamin-5-Related (LGMD-R12); Limb-girdle muscular dystrophy, type 2L; MUSCULAR DYSTROPHY, LIMB-GIRDLE, AUTOSOMAL RECESSIVE 12. Identifiers: Orphanet 206549, MedGen C1969785, MONDO:0012652, OMIM 611307.

Allele frequency attached by ClinVar (database versions not stated): gnomAD exomes below 0.00001 and 0.00001; TOPMed below 0.00001; ExAC 0.00001.
gnomAD v4.1: 9 of 1,613,330 alleles (0.00056%); highest among the groups gnomAD compares: Non-Finnish European, 0.00051%; no homozygotes.

Submissions (4):

Institute of Immunology and Genetics Kaiserslautern
Classification: Pathogenic for Gnathodiaphyseal dysplasia; Autosomal recessive limb-girdle muscular dystrophy type 2L. Last evaluated: 2025-11-21. Review status: criteria provided, single submitter. Criteria: ACMG Guidelines, 2015. Collection method: clinical testing. Allele origin: germline. Affected: yes.
Comment: ACMG Criteria: PVS1, PS4, PM2; Variant was found in homozygous state.

Labcorp Genetics (formerly Invitae), Labcorp
Classification: Pathogenic for Autosomal recessive limb-girdle muscular dystrophy type 2L; Gnathodiaphyseal dysplasia. Last evaluated: 2022-09-20. Review status: criteria provided, single submitter. Criteria: Invitae Variant Classification Sherloc (09022015). Collection method: clinical testing. Allele origin: germline.
Comment: Algorithms developed to predict the effect of sequence changes on RNA splicing suggest that this variant may disrupt the consensus splice site. For these reasons, this variant has been classified as Pathogenic. ClinVar contains an entry for this variant (Variation ID: 966049). This sequence change affects a donor splice site in intron 11 of the ANO5 gene. It is expected to disrupt RNA splicing. Variants that disrupt the donor or acceptor splice site typically lead to a loss of protein function (PMID: 16199547), and loss-of-function variants in ANO5 are known to be pathogenic (PMID: 21186264, 23606453, 25891276, 30919934). This variant is present in population databases (rs762946781, gnomAD 0.002%). Disruption of this splice site has been observed in individuals with limb-girdle muscular dystrophy (PMID: 25891276, 31791368).

Blueprint Genetics
Classification: Likely pathogenic for ANO5-related disorders. Last evaluated: 2022-04-07. Review status: criteria provided, single submitter. Criteria: ACMG Guidelines, 2015. Collection method: clinical testing. Allele origin: germline. Affected: yes. Observed: 3 variant alleles.

MGZ Medical Genetics Center
Classification: Pathogenic for Autosomal recessive limb-girdle muscular dystrophy type 2L. Last evaluated: 2021-07-26. Review status: criteria provided, single submitter. Criteria: ACMG Guidelines, 2015. Collection method: clinical testing. Allele origin: germline. Affected: yes. Observed: 1 variant allele.
Comment: ACMG criteria applied: PVS1, PM3, PM2_SUP

Literature cited by the submitters: PubMed 16199547 (cited by Labcorp Genetics (formerly Invitae), Labcorp); PubMed 21186264 (cited by Labcorp Genetics (formerly Invitae), Labcorp); PubMed 23606453 (cited by Labcorp Genetics (formerly Invitae), Labcorp); PubMed 25891276 (cited by Labcorp Genetics (formerly Invitae), Labcorp); PubMed 30919934 (cited by Labcorp Genetics (formerly Invitae), Labcorp); PubMed 31791368 (cited by Labcorp Genetics (formerly Invitae), Labcorp).

NM_213599.3(ANO5):c.1119+1G>T

Gene: ANO5 (anoctamin 5; plus strand). Cytogenetic location: 11p14.3.
Variant type: single nucleotide variant.
Coding change: c.1119+1G>T on transcript NM_213599.3 (MANE Select); the canonical splice donor site of the intron after coding-DNA position 1119, G replaced by T.
Molecular consequence: splice donor variant.
Genome position (GRCh38, 1-based): chr11:22,250,847, G>T. VCF-style: chr11-22250847-G-T. GRCh37 (hg19) VCF-style: chr11-22272393-G-T.
Other names: c.1077+1G>T (NM_001410963.1); c.1116+1G>T (NM_001142649.2); c.1074+1G>T (NM_001410964.1).
Identifiers: ClinVar variation 966049 (VCV000966049.14), dbSNP rs762946781, ClinGen allele CA5923130.